The following is an entry in ClinVar:

ClinVar aggregate classification (germline): Likely benign (1 of 4 stars; one submission).

Conditions:
Malignant hyperthermia, susceptibility to, 5 (MHS5). Also called: CACNA1S-Related Malignant Hyperthermia Susceptibility. Identifiers: Orphanet 423, MedGen C1866077, MONDO:0011163, OMIM 601887.

gnomAD v4.1: 1 of 1,613,550 alleles (0.000062%); highest among the groups gnomAD compares: Non-Finnish European, 0.000085%; no homozygotes.

Submission:

All of Us Research Program, National Institutes of Health
Classification: Likely benign for Malignant hyperthermia, susceptibility to, 5. Last evaluated: 2023-12-18. Review status: criteria provided, single submitter. Criteria: ACMG Guidelines, 2015. Collection method: clinical testing. Allele origin: germline. Inheritance: Autosomal dominant inheritance. Observed: 1 variant allele, 1 heterozygote.
Comment: This study involves interpretation of variants in research participants for the purpose of population health screening. Participant phenotype was not available at the time of variant classification. Additional details can be found in publication PMID: 35346344, PMCID: PMC8962531

NM_000069.3(CACNA1S):c.5359C>T (p.Leu1787=)

Gene: CACNA1S (calcium voltage-gated channel subunit alpha1 S; minus strand). Cytogenetic location: 1q32.1.
Variant type: single nucleotide variant.
Coding change: c.5359C>T on transcript NM_000069.3 (MANE Select); coding-DNA position 5359, C replaced by T.
Protein change: p.Leu1787=; no amino-acid change (leucine 1787 retained).
Molecular consequence: synonymous variant.
Genome position (GRCh38, 1-based): chr1:201,040,242, G>A on the plus strand (C>T on the coding strand, the complement: CACNA1S is on the minus strand). VCF-style: chr1-201040242-G-A. GRCh37 (hg19) VCF-style: chr1-201009370-G-A.
Identifiers: ClinVar variation 3075163 (VCV003075163.1), dbSNP rs1572011520, ClinGen allele CA422815004.